The following is an entry in ClinVar:

ClinVar aggregate classification (germline): Pathogenic (1 of 4 stars; one submission).

Submission:

Labcorp Genetics (formerly Invitae), Labcorp
Classification: Pathogenic. Last evaluated: 2025-07-10. Review status: criteria provided, single submitter. Criteria: Invitae Variant Classification Sherloc (09022015). Collection method: clinical testing. Allele origin: germline.
Comment: This sequence change creates a premature translational stop signal (p.Leu13Trpfs*38) in the TSPEAR gene. It is expected to result in an absent or disrupted protein product. Loss-of-function variants in TSPEAR are known to be pathogenic (PMID: 34042254). The frequency data for this variant in the population databases is considered unreliable, as metrics indicate poor data quality at this position in the gnomAD database. This variant has not been reported in the literature in individuals affected with TSPEAR-related conditions. ClinVar contains an entry for this variant (Variation ID: 1915967). For these reasons, this variant has been classified as Pathogenic.

Literature cited by the submitters: PubMed 34042254.

NM_144991.3(TSPEAR):c.37del (p.Leu13fs)

Gene: TSPEAR (thrombospondin type laminin G domain and EAR repeats; minus strand). Cytogenetic location: 21q22.3.
Variant type: Deletion.
Coding change: c.37del on transcript NM_144991.3 (MANE Select); coding-DNA position 37, one base deleted (C; older notation c.37delC).
Protein change: p.Leu13fs; shifts the reading frame from leucine 13.
Molecular consequence: frameshift variant. On other transcripts: 5 prime UTR variant (1).
Genome position (GRCh38, 1-based): chr21:44,711,478, G deleted on the plus strand (C on the coding strand, the reverse complement: TSPEAR is on the minus strand); the first of 4 consecutive G bases (chr21:44,711,478-44,711,481); deleting any one gives the same sequence. VCF-style (leftmost placement, unchanged base first): chr21-44711477-AG-A. GRCh37 (hg19) VCF-style: chr21-46131392-AG-A.
Other names: c.-230del (NM_001272037.2); short protein forms L13fs.
Identifiers: ClinVar variation 1915967 (VCV001915967.5), dbSNP rs782595156, ClinGen allele CA10061759.